The following is an entry in ClinVar:

NM_000138.5(FBN1):c.2609C>T (p.Thr870Ile)

Gene: FBN1 (fibrillin 1; minus strand). Cytogenetic location: 15q21.1.
Variant type: single nucleotide variant.
Coding change: c.2609C>T on transcript NM_000138.5 (MANE Select); coding-DNA position 2609, C replaced by T.
Protein change: p.Thr870Ile; replaces threonine 870 with isoleucine.
Molecular consequence: missense variant.
Genome position (GRCh38, 1-based): chr15:48,495,191, G>A on the plus strand (C>T on the coding strand, the complement: FBN1 is on the minus strand). VCF-style: chr15-48495191-G-A. GRCh37 (hg19) VCF-style: chr15-48787388-G-A.
Other names: c.2609C>T, p.Thr870Ile (NM_001406716.1); short protein forms T870I.
Identifiers: ClinVar variation 2773374 (VCV002773374.2), dbSNP rs2505570944, ClinGen allele CA392332493.

ClinVar aggregate classification (germline): Uncertain significance (1 of 4 stars; one submission).

Conditions:
Familial thoracic aortic aneurysm and aortic dissection (TAAD). Also called: Thoracic aortic aneurysms and dissections. Identifiers: Orphanet 91387, MedGen C4707243, MONDO:0019625.

Submission:

Color Diagnostics, LLC DBA Color Health
Classification: Uncertain significance for Familial thoracic aortic aneurysm and aortic dissection. Last evaluated: 2022-11-06. Review status: criteria provided, single submitter. Criteria: ACMG Guidelines, 2015. Collection method: clinical testing. Allele origin: germline.
Comment: This missense variant replaces threonine with isoleucine at codon 870 of the FBN1 protein. Computational prediction suggests that this variant may have deleterious impact on protein structure and function (internally defined REVEL score threshold >= 0.7, PMID: 27666373). To our knowledge, functional studies have not been reported for this variant. This variant has not been reported in individuals affected with FBN1-related disorders in the literature. This variant has not been identified in the general population by the Genome Aggregation Database (gnomAD). The available evidence is insufficient to determine the role of this variant in disease conclusively. Therefore, this variant is classified as a Variant of Uncertain Significance.